The following is an entry in ClinVar:

NM_001008537.3(NEXMIF):c.563A>G (p.Asn188Ser)

Gene: NEXMIF (neurite extension and migration factor; minus strand). Cytogenetic location: Xq13.3.
Variant type: single nucleotide variant.
Coding change: c.563A>G on transcript NM_001008537.3 (MANE Select); coding-DNA position 563, A replaced by G.
Protein change: p.Asn188Ser; replaces asparagine 188 with serine.
Molecular consequence: missense variant.
Genome position (GRCh38, 1-based): chrX:74,743,994, T>C on the plus strand (A>G on the coding strand, the complement: NEXMIF is on the minus strand). VCF-style: chrX-74743994-T-C. GRCh37 (hg19) VCF-style: chrX-73963829-T-C.
Other names: short protein forms N188S.
Identifiers: ClinVar variation 4538784 (VCV004538784.1).
Genomic context (GRCh38, chrX:74,743,994, plus strand): 5'-GGGAAGCCTAGGAGCTGGTCTGAGAGCAGCTGCTCTCCATATTTCATATTTTCTCCAGCA[T>C]TAATACACTGAATCCCTATATCAGAGACTGCACACGTTTCATAATCCCTATTTAGATCAC-3'
Protein context (NP_001008537.1, residues 178-198): AVSDIGIQCI[Asn188Ser]AGENMKYGEQ

ClinVar aggregate classification (germline): Uncertain significance (1 of 4 stars; one submission).

Submission:

GeneDx
Classification: Uncertain significance. Last evaluated: 2025-06-18. Review status: criteria provided, single submitter. Criteria: GeneDx Variant Classification Process June 2021. Collection method: clinical testing. Allele origin: germline. Affected: yes.
Comment: In silico analysis suggests that this missense variant does not alter protein structure/function; Has not been previously published as pathogenic or benign to our knowledge